The following is an entry in ClinVar:

ClinVar aggregate classification (germline): Likely pathogenic (1 of 4 stars; one submission).

gnomAD v4.1: 1 of 1,502,444 alleles (0.000067%); highest among the groups gnomAD compares: Non-Finnish European, 0.000089%; no homozygotes.

Submission:

Dasa
Classification: Likely pathogenic. Last evaluated: 2025-08-07. Review status: criteria provided, single submitter. Criteria: DASA Assertion Criteria. Collection method: clinical testing. Allele origin: germline.
Comment: NM_001142864.4(PIEZO1):c.7129+1G>A affects a canonical splice site and is predicted to disrupt normal RNA splicing. Loss of function is an established disease mechanism for PIEZO1-associated disorders. Also, this variant is rare in population databases. Based on the currently available evidence, this variant is classified as likely pathogenic.

NM_001142864.4(PIEZO1):c.7129+1G>A

Gene: PIEZO1 (piezo type mechanosensitive ion channel component 1 (Er blood group); minus strand). Cytogenetic location: 16q24.3.
Variant type: single nucleotide variant.
Coding change: c.7129+1G>A on transcript NM_001142864.4 (MANE Select); the canonical splice donor site of the intron after coding-DNA position 7129, G replaced by A.
Molecular consequence: splice donor variant.
Genome position (GRCh38, 1-based): chr16:88,716,197, C>T on the plus strand (G>A on the coding strand, the complement: PIEZO1 is on the minus strand). VCF-style: chr16-88716197-C-T. GRCh37 (hg19) VCF-style: chr16-88782605-C-T.
Identifiers: ClinVar variation 4852618 (VCV004852618.2).